The following is an entry in ClinVar:

NM_002693.3(POLG):c.2734+3G>A

Gene: POLG (DNA polymerase gamma, catalytic subunit; minus strand). Cytogenetic location: 15q26.1.
Variant type: single nucleotide variant.
Coding change: c.2734+3G>A on transcript NM_002693.3 (MANE Select); 3 bases into the intron after coding-DNA position 2734, G replaced by A.
Molecular consequence: intron variant.
Genome position (GRCh38, 1-based): chr15:89,321,122, C>T on the plus strand (G>A on the coding strand, the complement: POLG is on the minus strand). VCF-style: chr15-89321122-C-T. GRCh37 (hg19) VCF-style: chr15-89864353-C-T.
Other names: c.2734+3G>A (NM_001126131.2).
Identifiers: ClinVar variation 952582 (VCV000952582.8), dbSNP rs2055389780, ClinGen allele CA1139664135.

ClinVar aggregate classification (germline): Uncertain significance (1 of 4 stars; one submission).

Conditions:
Progressive sclerosing poliodystrophy (MTDPS4A). Also called: ALPERS PROGRESSIVE INFANTILE POLIODYSTROPHY; Mitochondrial DNA depletion syndrome 4A (Alpers type); ALPERS DIFFUSE DEGENERATION OF CEREBRAL GRAY MATTER WITH HEPATIC CIRRHOSIS; Alpers-Huttenlocher Syndrome; Alpers-Huttenlocher Syndrome (AHS); Alpers Syndrome. Identifiers: Orphanet 726, MedGen C0205710, MONDO:0008758, OMIM 203700.

Allele frequency attached by ClinVar (database versions not stated): gnomAD exomes below 0.00001.

Submission:

Labcorp Genetics (formerly Invitae), Labcorp
Classification: Uncertain significance for Progressive sclerosing poliodystrophy. Last evaluated: 2025-09-10. Review status: criteria provided, single submitter. Criteria: Invitae Variant Classification Sherloc (09022015). Collection method: clinical testing. Allele origin: germline.
Comment: This sequence change falls in intron 17 of the POLG gene. It does not directly change the encoded amino acid sequence of the POLG protein. It affects a nucleotide within the consensus splice site. This variant is not present in population databases (gnomAD no frequency). This variant has not been reported in the literature in individuals affected with POLG-related conditions. ClinVar contains an entry for this variant (Variation ID: 952582). Variants that disrupt the consensus splice site are a relatively common cause of aberrant splicing (PMID: 17576681, 9536098). Algorithms developed to predict the effect of sequence changes on RNA splicing suggest that this variant is not likely to affect RNA splicing. In summary, the available evidence is currently insufficient to determine the role of this variant in disease. Therefore, it has been classified as a Variant of Uncertain Significance.

Literature cited by the submitters: PubMed 17576681; PubMed 9536098.